The following is an entry in ClinVar:

ClinVar aggregate classification (germline): Uncertain significance. Review status: criteria provided, multiple submitters, no conflicts (2 of 4 stars). 2 submissions from 2 submitters: Uncertain significance (2). Last evaluated 2026-07-01.

Conditions:
Hereditary spastic paraplegia 7 (SPG7). Also called: Spastic paraplegia 7; Hereditary spastic paraplegia Paraplegin type; Autosomal recessive spastic paraplegia type 7; SPASTIC PARAPLEGIA 7, AUTOSOMAL RECESSIVE, WITH OR WITHOUT CEREBELLAR ATAXIA; SPG7-related neurologic disorder. Identifiers: Orphanet 99013, MedGen C1846564, MONDO:0011803, OMIM 607259.

Allele frequency attached by ClinVar (database versions not stated): gnomAD 0.00001; gnomAD exomes 0.00001; TOPMed 0.00001; ExAC 0.00002.
gnomAD v4.1: 11 of 1,614,006 alleles (0.00068%); highest among the groups gnomAD compares: Admixed American, 0.0033%; no homozygotes.

Submissions (2):

CeGaT Center for Human Genetics Tuebingen
Classification: Uncertain significance. Last evaluated: 2026-07-01. Review status: criteria provided, single submitter. Criteria: CeGaT Center For Human Genetics Tuebingen Variant Classification Criteria Version 2. Collection method: clinical testing. Allele origin: germline. Affected: yes. Observed: 1 variant allele.
Comment: SPG7: PP3

Labcorp Genetics (formerly Invitae), Labcorp
Classification: Uncertain significance for Hereditary spastic paraplegia 7. Last evaluated: 2024-01-03. Review status: criteria provided, single submitter. Criteria: Invitae Variant Classification Sherloc (09022015). Collection method: clinical testing. Allele origin: germline.
Comment: This sequence change replaces glutamic acid, which is acidic and polar, with lysine, which is basic and polar, at codon 323 of the SPG7 protein (p.Glu323Lys). This variant is present in population databases (rs775448352, gnomAD 0.006%). This variant has not been reported in the literature in individuals affected with SPG7-related conditions. ClinVar contains an entry for this variant (Variation ID: 2144373). Advanced modeling of protein sequence and biophysical properties (such as structural, functional, and spatial information, amino acid conservation, physicochemical variation, residue mobility, and thermodynamic stability) performed at Invitae indicates that this missense variant is expected to disrupt SPG7 protein function with a positive predictive value of 80%. In summary, the available evidence is currently insufficient to determine the role of this variant in disease. Therefore, it has been classified as a Variant of Uncertain Significance.

NM_003119.4(SPG7):c.967G>A (p.Glu323Lys)

Gene: SPG7 (SPG7 matrix AAA peptidase subunit, paraplegin; plus strand). Cytogenetic location: 16q24.3.
Variant type: single nucleotide variant.
Coding change: c.967G>A on transcript NM_003119.4 (MANE Select); coding-DNA position 967, G replaced by A.
Protein change: p.Glu323Lys; replaces glutamic acid 323 with lysine.
Molecular consequence: missense variant.
Genome position (GRCh38, 1-based): chr16:89,530,788, G>A. VCF-style: chr16-89530788-G-A. GRCh37 (hg19) VCF-style: chr16-89597196-G-A.
Other names: c.967G>A, p.Glu323Lys (NM_001363850.1, NM_199367.3); short protein forms E323K.
Identifiers: ClinVar variation 2144373 (VCV002144373.5), dbSNP rs775448352, ClinGen allele CA8243859.
Genomic context (GRCh38, chr16:89,530,788, plus strand): 5'-GGGAAAGGAGTCAGCTTCAAAGACGTGGCAGGAATGCACGAAGCCAAACTGGAAGTCCGC[G>A]AGTTTGTGGATTATCTGAAGGTGAAAGCAGCGTGGGCCGGGAGGGAGGTGTGAGCAGAGG-3'
Protein context (NP_003110.1, residues 313-333): GMHEAKLEVR[Glu323Lys]FVDYLKSPER